The following is an entry in ClinVar:

ClinVar aggregate classification (germline): Uncertain significance (1 of 4 stars; one submission).

Allele frequency attached by ClinVar (database versions not stated): gnomAD exomes below 0.00001.
gnomAD v4.1: 6 of 1,613,958 alleles (0.00037%); highest among the groups gnomAD compares: Non-Finnish European, 0.000085%; no homozygotes.

Submission:

Labcorp Genetics (formerly Invitae), Labcorp
Classification: Uncertain significance. Last evaluated: 2024-03-02. Review status: criteria provided, single submitter. Criteria: Invitae Variant Classification Sherloc (09022015). Collection method: clinical testing. Allele origin: germline.
Comment: This sequence change replaces lysine, which is basic and polar, with glutamic acid, which is acidic and polar, at codon 160 of the DNM1L protein (p.Lys160Glu). This variant is not present in population databases (gnomAD no frequency). This variant has not been reported in the literature in individuals affected with DNM1L-related conditions. ClinVar contains an entry for this variant (Variation ID: 1466569). An algorithm developed to predict the effect of missense changes on protein structure and function (PolyPhen-2) suggests that this variant is likely to be tolerated. In summary, the available evidence is currently insufficient to determine the role of this variant in disease. Therefore, it has been classified as a Variant of Uncertain Significance.

NM_012062.5(DNM1L):c.478A>G (p.Lys160Glu)

Gene: DNM1L (dynamin 1 like; plus strand). Cytogenetic location: 12p11.21.
Variant type: single nucleotide variant.
Coding change: c.478A>G on transcript NM_012062.5 (MANE Select); coding-DNA position 478, A replaced by G.
Protein change: p.Lys160Glu; replaces lysine 160 with glutamic acid.
Molecular consequence: missense variant. On other transcripts: intron variant (1).
Genome position (GRCh38, 1-based): chr12:32,713,230, A>G. VCF-style: chr12-32713230-A-G. GRCh37 (hg19) VCF-style: chr12-32866164-A-G.
Other names: c.478A>G, p.Lys160Glu (NM_001278463.2, NM_005690.5, NM_012063.4); c.517A>G, p.Lys173Glu (NM_001278464.2, NM_001278465.2, NM_001330380.2); c.131+5817A>G (NM_001278466.2); short protein forms K160E, K173E.
Identifiers: ClinVar variation 1466569 (VCV001466569.8), dbSNP rs2137372835, ClinGen allele CA384367227.